The following is an entry in ClinVar:

NM_005450.6(NOG):c.125C>T (p.Pro42Leu)

Gene: NOG (noggin; plus strand). Cytogenetic location: 17q22.
Variant type: single nucleotide variant.
Coding change: c.125C>T on transcript NM_005450.6 (MANE Select); coding-DNA position 125, C replaced by T.
Protein change: p.Pro42Leu; replaces proline 42 with leucine.
Molecular consequence: missense variant.
Genome position (GRCh38, 1-based): chr17:56,594,348, C>T. VCF-style: chr17-56594348-C-T. GRCh37 (hg19) VCF-style: chr17-54671709-C-T.
Other names: short protein forms P42L.
Identifiers: ClinVar variation 420069 (VCV000420069.6), dbSNP rs1018505000, ClinGen allele CA16620484.

ClinVar aggregate classification (germline): Conflicting classifications of pathogenicity. Review status: criteria provided, conflicting classifications (1 of 4 stars). 3 submissions from 3 submitters: Likely pathogenic (2); Uncertain significance (1). Last evaluated 2025-04-24.

Conditions:
NOG-related disorder. Also called: NOG-related disorders; NOG-related condition.

Allele frequency attached by ClinVar (database versions not stated): TOPMed below 0.00001.

Submissions (3):

Greenwood Genetic Center Diagnostic Laboratories, Greenwood Genetic Center
Classification: Likely pathogenic for NOG-related disorder. Last evaluated: 2025-04-24. Review status: criteria provided, single submitter. Criteria: ACMG Guidelines, 2015. Collection method: clinical testing. Allele origin: germline. Affected: yes.
Comment: PS4_Supporting, PM2, PM5, PP3

Labcorp Genetics (formerly Invitae), Labcorp
Classification: Likely pathogenic. Last evaluated: 2022-11-29. Review status: criteria provided, single submitter. Criteria: Invitae Variant Classification Sherloc (09022015). Collection method: clinical testing. Allele origin: germline.
Comment: This sequence change replaces proline, which is neutral and non-polar, with leucine, which is neutral and non-polar, at codon 42 of the NOG protein (p.Pro42Leu). This variant is not present in population databases (gnomAD no frequency). This missense change has been observed in individuals with NOG-related symphalangism spectrum disorder (PMID: 25241334; Invitae). ClinVar contains an entry for this variant (Variation ID: 420069). Algorithms developed to predict the effect of missense changes on protein structure and function (SIFT, PolyPhen-2, Align-GVGD) all suggest that this variant is likely to be disruptive. In summary, the currently available evidence indicates that the variant is pathogenic, but additional data are needed to prove that conclusively. Therefore, this variant has been classified as Likely Pathogenic. This variant disrupts the p.Pro42 amino acid residue in NOG. Other variant(s) that disrupt this residue have been determined to be pathogenic (PMID: 18204269, 23732071, 31370824). This suggests that this residue is clinically significant, and that variants that disrupt this residue are likely to be disease-causing.

GeneDx
Classification: Uncertain significance. Last evaluated: 2017-12-07. Review status: criteria provided, single submitter. Criteria: GeneDx Variant Classification (06012015). Collection method: clinical testing. Allele origin: germline. Affected: yes.
Comment: The P42L variant in the NOG gene has been reported previously in the heterozygous state in a family with variable expressivity of multiple synostosis syndrome. (Lee et al., 2014). The P42L variant is not observed in large population cohorts (Lek et al., 2016; 1000 Genomes Consortium et al., 2015; Exome Variant Server). The P42L variant is a semi-conservative amino acid substitution, which may impact secondary protein structure as these residues differ in some properties. In silico analysis predicts this variant is probably damaging to the protein structure/function. Missense variants in the same residue (P42T, P42R) have been reported previously in the heterozygous state in individuals with features suggestive of multiple synostosis syndrome (Aydin et al., 2013; Oxley et al., 2008). Missense variants at nearby residues (P37R, L46P, E48K) have been reported in the Human Gene Mutation Database in association with NOG-related disorders (Stenson et al., 2014), supporting the functional importance of this region of the protein. However, this substitution occurs at a position that is not conserved. Therefore, we interpret P42L as a variant of uncertain significance.

Literature cited by the submitters: PubMed 25241334 (cited by Labcorp Genetics (formerly Invitae), Labcorp); PubMed 18204269 (cited by Labcorp Genetics (formerly Invitae), Labcorp); PubMed 23732071 (cited by Labcorp Genetics (formerly Invitae), Labcorp); PubMed 31370824 (cited by Labcorp Genetics (formerly Invitae), Labcorp).